The following is an entry in ClinVar:

ClinVar aggregate classification (germline): Uncertain significance (1 of 4 stars; one submission).

Conditions:
Developmental and epileptic encephalopathy, 25 (DEE25). Also called: Developmental and epileptic encephalopathy 25, with amelogenesis imperfecta; Epileptic encephalopathy, early infantile, 25, with amelogenesis imperfecta; Epileptic encephalopathy, early infantile, 25. Identifiers: Orphanet 442835, MedGen C4014621, MONDO:0014392, OMIM 615905.

Allele frequency attached by ClinVar (database versions not stated): gnomAD exomes below 0.00001.

Submission:

Labcorp Genetics (formerly Invitae), Labcorp
Classification: Uncertain significance for Developmental and epileptic encephalopathy, 25. Last evaluated: 2022-08-09. Review status: criteria provided, single submitter. Criteria: Invitae Variant Classification Sherloc (09022015). Collection method: clinical testing. Allele origin: germline.
Comment: This variant is not present in population databases (gnomAD no frequency). This sequence change affects the initiator methionine of the SLC13A5 mRNA. The next in-frame methionine is located at codon 31. In summary, the available evidence is currently insufficient to determine the role of this variant in disease. Therefore, it has been classified as a Variant of Uncertain Significance. Algorithms developed to predict the effect of sequence changes on RNA splicing suggest that this variant may create or strengthen a splice site. ClinVar contains an entry for this variant (Variation ID: 651858). This variant has not been reported in the literature in individuals affected with SLC13A5-related conditions.

NM_177550.5(SLC13A5):c.3G>A (p.Met1Ile)

Gene: SLC13A5 (solute carrier family 13 member 5; minus strand). Cytogenetic location: 17p13.1.
Variant type: single nucleotide variant.
Coding change: c.3G>A on transcript NM_177550.5 (MANE Select); coding-DNA position 3, G replaced by A.
Protein change: p.Met1Ile; changes the start codon (methionine 1).
Molecular consequence: missense variant, initiator codon variant.
Genome position (GRCh38, 1-based): chr17:6,713,331, C>T on the plus strand (G>A on the coding strand, the complement: SLC13A5 is on the minus strand). VCF-style: chr17-6713331-C-T. GRCh37 (hg19) VCF-style: chr17-6616650-C-T.
Other names: c.3G>A, p.Met1Ile (NM_001143838.3, NM_001284509.2, NM_001284510.2); short protein forms M1I.
Identifiers: ClinVar variation 651858 (VCV000651858.10), dbSNP rs1597686195, ClinGen allele CA397754143.